The following is an entry in ClinVar:

NM_000080.4(CHRNE):c.601+1G>T

Genes: C17orf107 (chromosome 17 open reading frame 107; plus strand), CHRNE (cholinergic receptor nicotinic epsilon subunit; minus strand). Cytogenetic location: 17p13.2.
Variant type: single nucleotide variant.
Coding change: c.601+1G>T on transcript NM_000080.4 (MANE Select); the canonical splice donor site of the intron after coding-DNA position 601, G replaced by T.
Molecular consequence: splice donor variant. On other transcripts: 3 prime UTR variant (1).
Genome position (GRCh38, 1-based): chr17:4,901,524, C>A on the plus strand (G>T on the coding strand, the complement: CHRNE is on the minus strand). VCF-style: chr17-4901524-C-A. GRCh37 (hg19) VCF-style: chr17-4804819-C-A.
Other names: c.*991C>A (NM_001145536.2).
Identifiers: ClinVar variation 2736399 (VCV002736399.4), dbSNP rs2507556876, ClinGen allele CA397305745.
Genomic context (GRCh38, chr17:4,901,524, plus strand): 5'-GGAAGTCCCCTCTCTGGACCCCGTCTAGAAGCGGGTTTTTCTGAGCAGGCAGGGGCTTCA[C>A]CAGTATAGGCCTCTGTGTCGATGTCGATCTTGTTGATGGTCTTGCCGTCGTTGTCTACGG-3'

ClinVar aggregate classification (germline): Likely pathogenic. Review status: criteria provided, multiple submitters, no conflicts (2 of 4 stars). 2 submissions from 2 submitters: Likely pathogenic (2). Last evaluated 2024-05-28.

Conditions:
Congenital myasthenic syndrome 4A. Also called: Myasthenic syndrome, congenital, 4a, slow-channel; CONGENITAL MYASTHENIC SYNDROME TYPE Ia1; MYASTHENIC SYNDROME, CONGENITAL, 4A, SLOW-CHANNEL, AUTOSOMAL RECESSIVE. Identifiers: Orphanet 590, MedGen C4225413, MONDO:0011600, OMIM 605809.
Congenital myasthenic syndrome 4B. Also called: Myasthenic syndrome, congenital, 4b, fast-channel. Identifiers: Orphanet 590, MedGen C4225369, MONDO:0014586, OMIM 616324.
Congenital myasthenic syndrome 4C (CMS4C). Also called: Myasthenic syndrome, congenital, associated with acetylcholine receptor deficiency. Identifiers: Orphanet 590, MedGen C1837091, MONDO:0012157, OMIM 608931.

Submissions (2):

Fulgent Genetics
Classification: Likely pathogenic for Congenital myasthenic syndrome 4A; Congenital myasthenic syndrome 4C; Congenital myasthenic syndrome 4B. Last evaluated: 2024-05-28. Review status: criteria provided, single submitter. Criteria: ACMG Guidelines, 2015. Collection method: clinical testing. Allele origin: germline.

Labcorp Genetics (formerly Invitae), Labcorp
Classification: Likely pathogenic for Congenital myasthenic syndrome 4A. Last evaluated: 2023-12-20. Review status: criteria provided, single submitter. Criteria: Invitae Variant Classification Sherloc (09022015). Collection method: clinical testing. Allele origin: germline.
Comment: This sequence change affects a donor splice site in intron 6 of the CHRNE gene. It is expected to disrupt RNA splicing. Variants that disrupt the donor or acceptor splice site typically lead to a loss of protein function (PMID: 16199547), and loss-of-function variants in CHRNE are known to be pathogenic (PMID: 22678886). This variant is not present in population databases (gnomAD no frequency). This variant has not been reported in the literature in individuals affected with CHRNE-related conditions. Algorithms developed to predict the effect of sequence changes on RNA splicing suggest that this variant may disrupt the consensus splice site. In summary, the currently available evidence indicates that the variant is pathogenic, but additional data are needed to prove that conclusively. Therefore, this variant has been classified as Likely Pathogenic.

Literature cited by the submitters: PubMed 16199547 (cited by Labcorp Genetics (formerly Invitae), Labcorp); PubMed 22678886 (cited by Labcorp Genetics (formerly Invitae), Labcorp).